The following is an entry in ClinVar:

ClinVar aggregate classification (germline): Uncertain significance. Review status: criteria provided, multiple submitters, no conflicts (2 of 4 stars). 3 submissions from 3 submitters: Uncertain significance (3). Last evaluated 2026-05-19.

Conditions:
NR2E3-related disorder. Also called: NR2E3-related disorders; NR2E3-related condition. Identifiers: MedGen CN239387.
Inborn genetic diseases. Identifiers: MedGen C0950123, MeSH D030342.

Allele frequency attached by ClinVar (database versions not stated): TOPMed below 0.00001; gnomAD 0.00001; gnomAD exomes 0.00001.
gnomAD v4.1: 17 of 1,613,828 alleles (0.0011%); highest among the groups gnomAD compares: African/African-American, 0.0013%; no homozygotes.

Submissions (3):

Ambry Genetics
Classification: Uncertain significance for Inborn genetic diseases. Last evaluated: 2026-05-19. Review status: criteria provided, single submitter. Criteria: Ambry Variant Classification Scheme 2023. Collection method: clinical testing. Allele origin: germline.

PreventionGenetics, part of Exact Sciences
Classification: Uncertain significance for NR2E3-related condition. Last evaluated: 2026-02-18. Review status: criteria provided, single submitter. Criteria: ACMG Guidelines, 2015. Collection method: clinical testing. Allele origin: germline.
Comment: The NR2E3 c.941C>T variant is predicted to result in the amino acid substitution p.Ala314Val. To our knowledge, this variant has not been reported in the literature. This variant is reported in 0.12% of alleles in individuals of European (Non-Finnish) descent in gnomAD, which may be too frequent to be a primary cause of disease. Although we suspect that this variant may be benign, at this time, the clinical significance of this variant is uncertain due to the absence of conclusive functional and genetic evidence.

Labcorp Genetics (formerly Invitae), Labcorp
Classification: Uncertain significance. Last evaluated: 2025-08-04. Review status: criteria provided, single submitter. Criteria: Invitae Variant Classification Sherloc (09022015). Collection method: clinical testing. Allele origin: germline.
Comment: This sequence change replaces alanine, which is neutral and non-polar, with valine, which is neutral and non-polar, at codon 314 of the NR2E3 protein (p.Ala314Val). This variant is present in population databases (rs751114266, gnomAD 0.2%). This variant has not been reported in the literature in individuals affected with NR2E3-related conditions. ClinVar contains an entry for this variant (Variation ID: 2319149). Invitae Evidence Modeling of protein sequence and biophysical properties (such as structural, functional, and spatial information, amino acid conservation, physicochemical variation, residue mobility, and thermodynamic stability) indicates that this missense variant is not expected to disrupt NR2E3 protein function with a negative predictive value of 80%. In summary, the available evidence is currently insufficient to determine the role of this variant in disease. Therefore, it has been classified as a Variant of Uncertain Significance.

NM_014249.4(NR2E3):c.941C>T (p.Ala314Val)

Gene: NR2E3 (nuclear receptor subfamily 2 group E member 3; plus strand). Cytogenetic location: 15q23.
Variant type: single nucleotide variant.
Coding change: c.941C>T on transcript NM_014249.4 (MANE Select); coding-DNA position 941, C replaced by T.
Protein change: p.Ala314Val; replaces alanine 314 with valine.
Molecular consequence: missense variant.
Genome position (GRCh38, 1-based): chr15:71,813,582, C>T. VCF-style: chr15-71813582-C-T. GRCh37 (hg19) VCF-style: chr15-72105922-C-T.
Other names: c.941C>T, p.Ala314Val (NM_016346.4); c.941C>T (NM_014249.3); short protein forms A314V.
Identifiers: ClinVar variation 2319149 (VCV002319149.5), dbSNP rs751114266, ClinGen allele CA272575663.